The following is an entry in ClinVar:

ClinVar aggregate classification (germline): Uncertain significance (1 of 4 stars; one submission).

Conditions:
Cardiomyopathy (CMYO). Also called: Cardiomyopathies. Identifiers: Orphanet 167848, MedGen C0878544, MONDO:0004994, HP:0001638. Inheritance: Various modes of inheritance.

Submission:

Color Diagnostics, LLC DBA Color Health
Classification: Uncertain significance for Cardiomyopathy. Last evaluated: 2025-09-22. Review status: criteria provided, single submitter. Criteria: ACMG Guidelines, 2015. Collection method: clinical testing. Allele origin: germline.
Comment: This missense variant replaces leucine with serine at codon 149 of the DSC2 protein. Computational prediction suggests that this variant may not impact protein structure and function. To our knowledge, functional studies have not been reported for this variant. This variant has not been reported in individuals affected with DSC2-related disorders in the literature. This variant has not been identified in the general population by the Genome Aggregation Database (gnomAD). The available evidence is insufficient to determine the role of this variant in disease conclusively. Therefore, this variant is classified as a Variant of Uncertain Significance.

NM_024422.6(DSC2):c.446T>C (p.Leu149Ser)

Gene: DSC2 (desmocollin 2; minus strand). Cytogenetic location: 18q12.1.
Variant type: single nucleotide variant.
Coding change: c.446T>C on transcript NM_024422.6 (MANE Select); coding-DNA position 446, T replaced by C.
Protein change: p.Leu149Ser; replaces leucine 149 with serine.
Molecular consequence: missense variant.
Genome position (GRCh38, 1-based): chr18:31,091,056, A>G on the plus strand (T>C on the coding strand, the complement: DSC2 is on the minus strand). VCF-style: chr18-31091056-A-G. GRCh37 (hg19) VCF-style: chr18-28671019-A-G.
Other names: c.17T>C, p.Leu6Ser (NM_001406506.1, NM_001406507.1); c.446T>C, p.Leu149Ser (NM_004949.5); short protein forms L149S, L6S.
Identifiers: ClinVar variation 4756440 (VCV004756440.1).